The following is an entry in ClinVar:

NM_001365276.2(TNXB):c.9709C>T (p.Leu3237Phe)

Gene: TNXB (tenascin XB; minus strand). Cytogenetic location: 6p21.33.
Variant type: single nucleotide variant.
Coding change: c.9709C>T on transcript NM_001365276.2 (MANE Select); coding-DNA position 9709, C replaced by T.
Protein change: p.Leu3237Phe; replaces leucine 3237 with phenylalanine.
Molecular consequence: missense variant.
Genome position (GRCh38, 1-based): chr6:32,049,318, G>A on the plus strand (C>T on the coding strand, the complement: TNXB is on the minus strand). VCF-style: chr6-32049318-G-A. GRCh37 (hg19) VCF-style: chr6-32017095-G-A.
Other names: c.9703C>T, p.Leu3235Phe (NM_019105.8); short protein forms L3235F, L3237F.
Identifiers: ClinVar variation 2606316 (VCV002606316.3), dbSNP rs1341085206, ClinGen allele CA363537847.

ClinVar aggregate classification (germline): Uncertain significance (1 of 4 stars; one submission).

Conditions:
Cardiovascular phenotype. Identifiers: MedGen CN230736.

Allele frequency attached by ClinVar (database versions not stated): gnomAD exomes below 0.00001; TOPMed below 0.00001.
gnomAD v4.1: 1 of 1,612,426 alleles (0.000062%); highest among the groups gnomAD compares: Non-Finnish European, 0.000085%; no homozygotes.

Submission:

Ambry Genetics
Classification: Uncertain significance for Cardiovascular phenotype. Last evaluated: 2026-03-12. Review status: criteria provided, single submitter. Criteria: Ambry Variant Classification Scheme 2023. Collection method: clinical testing. Allele origin: germline.
Comment: The p.L3235F variant (also known as c.9703C>T), located in coding exon 27 of the TNXB gene, results from a C to T substitution at nucleotide position 9703. The leucine at codon 3235 is replaced by phenylalanine, an amino acid with highly similar properties. This amino acid position is conserved. In addition, this alteration is predicted to be tolerated by in silico analysis. Based on the available evidence, the clinical significance of this variant remains unclear.